The following is an entry in ClinVar:

NM_002691.4(POLD1):c.262G>A (p.Asp88Asn)

Gene: POLD1 (DNA polymerase delta 1, catalytic subunit; plus strand). Cytogenetic location: 19q13.33.
Variant type: single nucleotide variant.
Coding change: c.262G>A on transcript NM_002691.4 (MANE Select); coding-DNA position 262, G replaced by A.
Protein change: p.Asp88Asn; replaces aspartic acid 88 with asparagine.
Molecular consequence: missense variant. On other transcripts: non-coding transcript variant (1).
Genome position (GRCh38, 1-based): chr19:50,399,430, G>A. VCF-style: chr19-50399430-G-A. GRCh37 (hg19) VCF-style: chr19-50902687-G-A.
Other names: c.262G>A, p.Asp88Asn (NM_001256849.1, NM_001308632.1); c.262G>A (NM_002691.2); short protein forms D88N.
Identifiers: ClinVar variation 577088 (VCV000577088.15), dbSNP rs554367061, ClinGen allele CA9595667.

ClinVar aggregate classification (germline): Conflicting classifications of pathogenicity. Review status: criteria provided, conflicting classifications (1 of 4 stars). 3 submissions from 3 submitters: Uncertain significance (2); Likely benign (1). Last evaluated 2025-04-07.

Conditions:
POLD1-related polyposis and colorectal cancer syndrome (CRCS10). Also called: Colorectal cancer 10; COLORECTAL CANCER, SUSCEPTIBILITY TO, ON CHROMOSOME 19q; Colorectal cancer, susceptibility to, 10. Identifiers: Orphanet 220460, MedGen C2675481, MONDO:0012953, OMIM 612591.
Hereditary cancer-predisposing syndrome. Also called: Tumor predisposition; Neoplastic Syndromes, Hereditary; Hereditary Cancer Syndrome; Hereditary neoplastic syndrome. Identifiers: Orphanet 140162, MedGen C0027672, MeSH D009386, MONDO:0015356.

Allele frequency attached by ClinVar (database versions not stated): gnomAD exomes below 0.00001; TOPMed below 0.00001; ExAC 0.00001; gnomAD 0.00001; 1000 Genomes Project 30x 0.00016; 1000 Genomes Project 0.00020.
gnomAD v4.1: 5 of 1,614,180 alleles (0.00031%); highest among the groups gnomAD compares: Admixed American, 0.0033%; no homozygotes.

Submissions (3):

Ambry Genetics
Classification: Likely benign for Hereditary cancer-predisposing syndrome. Last evaluated: 2025-04-07. Review status: criteria provided, single submitter. Criteria: Ambry Variant Classification Scheme 2023. Collection method: clinical testing. Allele origin: germline.

GeneDx
Classification: Uncertain significance. Last evaluated: 2025-03-07. Review status: criteria provided, single submitter. Criteria: GeneDx Variant Classification Process June 2021. Collection method: clinical testing. Allele origin: germline. Affected: yes.
Comment: Not observed at significant frequency in large population cohorts (gnomAD); In silico analysis indicates that this missense variant does not alter protein structure/function; Has not been previously published as pathogenic or benign to our knowledge

Labcorp Genetics (formerly Invitae), Labcorp
Classification: Uncertain significance for POLD1-related polyposis and colorectal cancer syndrome. Last evaluated: 2024-11-17. Review status: criteria provided, single submitter. Criteria: Invitae Variant Classification Sherloc (09022015). Collection method: clinical testing. Allele origin: germline.
Comment: This sequence change replaces aspartic acid, which is acidic and polar, with asparagine, which is neutral and polar, at codon 88 of the POLD1 protein (p.Asp88Asn). This variant is present in population databases (rs554367061, gnomAD 0.003%). This variant has not been reported in the literature in individuals affected with POLD1-related conditions. ClinVar contains an entry for this variant (Variation ID: 577088). Invitae Evidence Modeling of protein sequence and biophysical properties (such as structural, functional, and spatial information, amino acid conservation, physicochemical variation, residue mobility, and thermodynamic stability) indicates that this missense variant is not expected to disrupt POLD1 protein function with a negative predictive value of 80%. In summary, the available evidence is currently insufficient to determine the role of this variant in disease. Therefore, it has been classified as a Variant of Uncertain Significance.